The following is an entry in ClinVar:

NM_024649.5(BBS1):c.1473+4A>G

Genes: BBS1 (Bardet-Biedl syndrome 1; plus strand), ZDHHC24 (zDHHC palmitoyltransferase 24; minus strand). Cytogenetic location: 11q13.2.
Variant type: single nucleotide variant.
Coding change: c.1473+4A>G on transcript NM_024649.5 (MANE Select); 4 bases into the intron after coding-DNA position 1473, A replaced by G.
Molecular consequence: intron variant.
Genome position (GRCh38, 1-based): chr11:66,529,956, A>G. VCF-style: chr11-66529956-A-G. GRCh37 (hg19) VCF-style: chr11-66297427-A-G.
Other names: c.560-468T>C (NM_001348571.2).
Identifiers: ClinVar variation 585172 (VCV000585172.13), dbSNP rs1486200900, ClinGen allele CA599866559.

ClinVar aggregate classification (germline): Pathogenic/Likely pathogenic. Review status: criteria provided, multiple submitters, no conflicts (2 of 4 stars). 4 submissions from 4 submitters: Pathogenic (1); Likely pathogenic (1). 2 of the submissions do not count toward it. Last evaluated 2025-11-19.

Conditions:
Bardet-Biedl syndrome 1 (BBS1). Identifiers: MedGen C2936862, MONDO:0008854, OMIM 209900. Disease mechanism: loss of function.
Bardet-Biedl syndrome (BBS). Identifiers: Orphanet 110, MedGen C0752166, MONDO:0015229.

Allele frequency attached by ClinVar (database versions not stated): gnomAD exomes below 0.00001; gnomAD 0.00001.
gnomAD v4.1: 3 of 1,599,310 alleles (0.00019%); highest among the groups gnomAD compares: Non-Finnish European, 0.00025%; no homozygotes.

Submissions (4):

3billion
Classification: Likely pathogenic for Bardet-Biedl syndrome 1. Last evaluated: 2025-11-19. Review status: criteria provided, single submitter. Criteria: ACMG Guidelines, 2015. Collection method: clinical testing. Allele origin: germline. Affected: yes.
Comment: The variant is observed at an extremely low frequency in the gnomAD v4.1.0 dataset (total allele frequency: <0.001%). Predicted Consequence/Location: Intron variant In silico tools predict the variant to alter splicing and produce an abnormal transcript [SpliceAI: 0.44 (>=0.2, moderate evidence for spliceogenicity)]. The variant has been reported to be in trans with a pathogenic variant as either compound heterozygous or homozygous in at least one similarly affected unrelated individual (PMID: 21642631, 22773737, 23432027). The variant has been reported at least twice as pathogenic without evidence for the classification (ClinVar ID: VCV000585172 /PMID: 21642631). Therefore, this variant is classified as Likely pathogenic according to the recommendation of ACMG/AMP guideline.

Labcorp Genetics (formerly Invitae), Labcorp
Classification: Pathogenic for Bardet-Biedl syndrome. Last evaluated: 2022-08-20. Review status: criteria provided, single submitter. Criteria: Invitae Variant Classification Sherloc (09022015). Collection method: clinical testing. Allele origin: germline.
Comment: This variant has been observed in individual(s) with Bardet-Biedl syndrome (PMID: 21642631, 22773737, 23432027). This variant is not present in population databases (gnomAD no frequency). This sequence change falls in intron 14 of the BBS1 gene. It does not directly change the encoded amino acid sequence of the BBS1 protein. It affects a nucleotide within the consensus splice site. ClinVar contains an entry for this variant (Variation ID: 585172). For these reasons, this variant has been classified as Pathogenic. Variants that disrupt the consensus splice site are a relatively common cause of aberrant splicing (PMID: 17576681, 9536098). Algorithms developed to predict the effect of sequence changes on RNA splicing suggest that this variant may disrupt the consensus splice site.

Laboratory of Medical Genetics (UMR_S 1112), INSERM/Strasbourg University
Classification: Pathogenic for Bardet-Biedl syndrome. Last evaluated: 2018-09-15. Review status: no assertion criteria provided. Collection method: provider interpretation. Allele origin: germline. Affected: yes. Study: French fetal BBS cohort. Not counted in ClinVar's aggregate classification.

Department of Clinical Genetics, Copenhagen University Hospital, Rigshospitalet
Classification: Likely pathogenic. Last evaluated: 2018-04-01. Review status: no assertion criteria provided. Collection method: research. Allele origin: unknown. Affected: yes. Study: VeluxRD. Not counted in ClinVar's aggregate classification.

Literature cited by the submitters: PubMed 21642631 (cited by 3billion and Labcorp Genetics (formerly Invitae), Labcorp); PubMed 22773737 (cited by 3billion and Labcorp Genetics (formerly Invitae), Labcorp); PubMed 23432027 (cited by 3billion and Labcorp Genetics (formerly Invitae), Labcorp); PubMed 17576681 (cited by Labcorp Genetics (formerly Invitae), Labcorp); PubMed 9536098 (cited by Labcorp Genetics (formerly Invitae), Labcorp); PubMed 30614526 (cited by Laboratory of Medical Genetics (UMR_S 1112), INSERM/Strasbourg University); PubMed 30718709 (cited by Department of Clinical Genetics, Copenhagen University Hospital, Rigshospitalet).